The following is an entry in ClinVar:

ClinVar aggregate classification (germline): Uncertain significance (1 of 4 stars; one submission).

gnomAD v4.1: 1 of 1,614,162 alleles (0.000062%); highest among the groups gnomAD compares: Non-Finnish European, 0.000085%; no homozygotes.

Submission:

GeneDx
Classification: Uncertain significance. Last evaluated: 2021-05-25. Review status: criteria provided, single submitter. Criteria: GeneDx Variant Classification Process June 2021. Collection method: clinical testing. Allele origin: germline. Affected: yes.
Comment: Not observed at significant frequency in large population cohorts (Lek et al., 2016); Nonsense variant predicted to result in protein truncation or nonsense mediated decay in a gene for which loss-of-function is not a known mechanism of disease; Variants in candidate genes are classified as variants of uncertain significance in accordance with ACMG guidelines (Richards et al., 2015); This variant is associated with the following publications: (PMID: 31162759)

NM_020134.4(DPYSL5):c.349C>T (p.Arg117Ter)

Gene: DPYSL5 (dihydropyrimidinase like 5; plus strand). Cytogenetic location: 2p23.3.
Variant type: single nucleotide variant.
Coding change: c.349C>T on transcript NM_020134.4 (MANE Select); coding-DNA position 349, C replaced by T.
Protein change: p.Arg117Ter; replaces arginine 117 with a stop codon.
Molecular consequence: nonsense.
Genome position (GRCh38, 1-based): chr2:26,924,974, C>T. VCF-style: chr2-26924974-C-T. GRCh37 (hg19) VCF-style: chr2-27147842-C-T.
Other names: c.349C>T, p.Arg117Ter (NM_001253723.2, NM_001253724.2); short protein forms R117*.
Identifiers: ClinVar variation 1326763 (VCV001326763.2), dbSNP rs1664793633, ClinGen allele CA346149994.
Genomic context (GRCh38, chr2:26,924,974, plus strand): 5'-ATCATCGGCCACGTCCTGCCCGACAAGGAGACCTCCCTTGTGGACGCTTATGAGAAGTGC[C>T]GAGGTCTGGCCGACCCCAAGGTCTGCTGTGATTACGCCCTCCACGTGGGGATCACCTGGT-3'